The following is an entry in ClinVar:

ClinVar aggregate classification (germline): Uncertain significance. Review status: criteria provided, multiple submitters, no conflicts (2 of 4 stars). 2 submissions from 2 submitters: Uncertain significance (2). Last evaluated 2026-07-28.

Allele frequency attached by ClinVar (database versions not stated): gnomAD exomes below 0.00001; TOPMed 0.00001.
gnomAD v4.1: 1 of 1,613,742 alleles (0.000062%); highest among the groups gnomAD compares: Non-Finnish European, 0.000085%; no homozygotes.

Submissions (2):

GeneDx
Classification: Uncertain significance. Last evaluated: 2026-07-28. Review status: criteria provided, single submitter. Criteria: GeneDx Variant Classification Process June 2021. Collection method: clinical testing. Allele origin: germline.
Comment: Not observed at significant frequency in large population cohorts (gnomAD); In silico analysis suggests that this missense variant does not alter protein structure/function; Has not been previously published as pathogenic or benign to our knowledge

Labcorp Genetics (formerly Invitae), Labcorp
Classification: Uncertain significance. Last evaluated: 2022-04-07. Review status: criteria provided, single submitter. Criteria: Invitae Variant Classification Sherloc (09022015). Collection method: clinical testing. Allele origin: germline.
Comment: This sequence change replaces glutamine, which is neutral and polar, with lysine, which is basic and polar, at codon 2001 of the CDH23 protein (p.Gln2001Lys). This variant is not present in population databases (gnomAD no frequency). This variant has not been reported in the literature in individuals affected with CDH23-related conditions. Algorithms developed to predict the effect of missense changes on protein structure and function output the following: SIFT: "Tolerated"; PolyPhen-2: "Not Available"; Align-GVGD: "Class C0". The lysine amino acid residue is found in multiple mammalian species, which suggests that this missense change does not adversely affect protein function. In summary, the available evidence is currently insufficient to determine the role of this variant in disease. Therefore, it has been classified as a Variant of Uncertain Significance.

NM_022124.6(CDH23):c.6001C>A (p.Gln2001Lys)

Gene: CDH23 (cadherin related 23; plus strand). Cytogenetic location: 10q22.1.
Variant type: single nucleotide variant.
Coding change: c.6001C>A on transcript NM_022124.6 (MANE Select); coding-DNA position 6001, C replaced by A.
Protein change: p.Gln2001Lys; replaces glutamine 2001 with lysine.
Molecular consequence: missense variant.
Genome position (GRCh38, 1-based): chr10:71,790,365, C>A. VCF-style: chr10-71790365-C-A. GRCh37 (hg19) VCF-style: chr10-73550122-C-A.
Other names: c.6001C>A (NM_022124.5); short protein forms Q2001K.
Identifiers: ClinVar variation 2146704 (VCV002146704.3), dbSNP rs1374765822, ClinGen allele CA377150902.